The following is an entry in ClinVar:

NM_000503.6(EYA1):c.1310G>A (p.Arg437His)

Gene: EYA1 (EYA transcriptional coactivator and phosphatase 1; minus strand). Cytogenetic location: 8q13.3.
Variant type: single nucleotide variant.
Coding change: c.1310G>A on transcript NM_000503.6 (MANE Select); coding-DNA position 1310, G replaced by A.
Protein change: p.Arg437His; replaces arginine 437 with histidine.
Molecular consequence: missense variant.
Genome position (GRCh38, 1-based): chr8:71,216,742, C>T on the plus strand (G>A on the coding strand, the complement: EYA1 is on the minus strand). VCF-style: chr8-71216742-C-T. GRCh37 (hg19) VCF-style: chr8-72128977-C-T.
Other names: c.1292G>A, p.Arg431His (NM_001288574.2, NM_172059.5); c.944G>A, p.Arg315His (NM_001288575.2); c.1397G>A, p.Arg466His (NM_001370333.1); c.1310G>A, p.Arg437His (NM_001370334.1, NM_001370335.1, NM_172058.4); c.1289G>A, p.Arg430His (NM_001370336.1); c.1211G>A, p.Arg404His (NM_001411797.1, NM_172060.4); short protein forms R315H, R404H, R430H, R431H, R437H, R466H.
Identifiers: ClinVar variation 2499722 (VCV002499722.2), dbSNP rs750164019, ClinGen allele CA4779504.

ClinVar aggregate classification (germline): Uncertain significance. Review status: criteria provided, multiple submitters, no conflicts (2 of 4 stars). 2 submissions from 2 submitters: Uncertain significance (2). Last evaluated 2024-02-28.

Conditions:
Branchiootorenal syndrome 1. Also called: Branchio-Oto-Renal Syndrome 1. Identifiers: Orphanet 107, MedGen C4551702, MONDO:0007236, OMIM 113650.

Allele frequency attached by ClinVar (database versions not stated): gnomAD 0.00001; gnomAD exomes 0.00001; ExAC 0.00002; TOPMed 0.00002.
gnomAD v4.1: 16 of 1,612,074 alleles (0.00099%); highest among the groups gnomAD compares: Admixed American, 0.005%; no homozygotes.

Submissions (2):

UAEU Genomics Laboratory, United Arab Emirates University
Classification: Uncertain significance for Branchiootorenal syndrome 1. Last evaluated: 2024-02-28. Review status: criteria provided, single submitter. Criteria: ACMG Guidelines, 2015. Collection method: research. Allele origin: unknown. Affected: yes. Observed: 1 variant allele.
Comment: PM1, PP3, PM5

GeneDx
Classification: Uncertain significance. Last evaluated: 2022-10-18. Review status: criteria provided, single submitter. Criteria: GeneDx Variant Classification Process June 2021. Collection method: clinical testing. Allele origin: germline. Affected: yes.
Comment: In silico analysis supports that this missense variant has a deleterious effect on protein structure/function; Has not been previously published as pathogenic or benign to our knowledge